The following is an entry in ClinVar:

NM_001271.4(CHD2):c.5141A>T (p.Asp1714Val)

Gene: CHD2 (chromodomain helicase DNA binding protein 2; plus strand). Cytogenetic location: 15q26.1.
Variant type: single nucleotide variant.
Coding change: c.5141A>T on transcript NM_001271.4 (MANE Select); coding-DNA position 5141, A replaced by T.
Protein change: p.Asp1714Val; replaces aspartic acid 1714 with valine.
Molecular consequence: missense variant.
Genome position (GRCh38, 1-based): chr15:93,020,246, A>T. VCF-style: chr15-93020246-A-T. GRCh37 (hg19) VCF-style: chr15-93563476-A-T.
Other names: short protein forms D1714V.
Identifiers: ClinVar variation 3636696 (VCV003636696.2).

ClinVar aggregate classification (germline): Uncertain significance (1 of 4 stars; one submission).

Conditions:
Developmental and epileptic encephalopathy 94 (DEE94). Also called: Epileptic encephalopathy, childhood-onset; CHD2-Related Neurodevelopmental Disorders. Identifiers: Orphanet 1942, Orphanet 2382, MedGen C3809278, MONDO:0014150, OMIM 615369.

Submission:

Labcorp Genetics (formerly Invitae), Labcorp
Classification: Uncertain significance for Developmental and epileptic encephalopathy 94. Last evaluated: 2024-11-18. Review status: criteria provided, single submitter. Criteria: Invitae Variant Classification Sherloc (09022015). Collection method: clinical testing. Allele origin: germline.
Comment: This sequence change replaces aspartic acid, which is acidic and polar, with valine, which is neutral and non-polar, at codon 1714 of the CHD2 protein (p.Asp1714Val). This variant is not present in population databases (gnomAD no frequency). This variant has not been reported in the literature in individuals affected with CHD2-related conditions. Invitae Evidence Modeling of protein sequence and biophysical properties (such as structural, functional, and spatial information, amino acid conservation, physicochemical variation, residue mobility, and thermodynamic stability) indicates that this missense variant is not expected to disrupt CHD2 protein function with a negative predictive value of 95%. In summary, the available evidence is currently insufficient to determine the role of this variant in disease. Therefore, it has been classified as a Variant of Uncertain Significance.